The following is an entry in ClinVar:

ClinVar aggregate classification (germline): Pathogenic (1 of 4 stars; one submission).

Conditions:
Breast-ovarian cancer, familial, susceptibility to, 2 (BROVCA2). Also called: BRCA2 Hereditary Breast and Ovarian Cancer. Identifiers: Orphanet 145, MedGen C2675520, MONDO:0012933, OMIM 612555. Disease mechanism: loss of function.

Submission:

Myriad Genetics, Inc.
Classification: Pathogenic for Breast-ovarian cancer, familial, susceptibility to, 2. Last evaluated: 2026-04-23. Review status: criteria provided, single submitter. Criteria: Myriad Autosomal Dominant, Autosomal Recessive and X-Linked Classification Criteria (2023). Collection method: clinical testing. Allele origin: unknown.
Comment: This variant is considered pathogenic. This variant creates a frameshift predicted to result in premature protein truncation.

NM_000059.4(BRCA2):c.5121dup (p.Ala1708fs)

Gene: BRCA2 (BRCA2 DNA repair associated; plus strand). Cytogenetic location: 13q13.1.
Variant type: Duplication.
Coding change: c.5121dup on transcript NM_000059.4 (MANE Select); coding-DNA position 5121, one base duplicated (T; older notation c.5121dupT).
Protein change: p.Ala1708fs; shifts the reading frame from alanine 1708.
Molecular consequence: frameshift variant. On other transcripts: non-coding transcript variant (1), intron variant (2).
Genome position (GRCh38, 1-based): chr13:32,339,476, T duplicated. VCF-style (leftmost placement, unchanged base first): chr13-32339475-C-CT. GRCh37 (hg19) VCF-style: chr13-32913612-C-CT.
Other names: c.5121dup, p.Ala1708fs (NM_001406719.1, NM_001406720.1, NM_001432077.1); c.1910-5082dup (NM_001406721.1); c.425-5082dup (NM_001406722.1); short protein forms A1708fs.
Identifiers: ClinVar variation 4876020 (VCV004876020.1).